The following is an entry in ClinVar:

ClinVar aggregate classification (germline): Benign/Likely benign. Review status: criteria provided, multiple submitters, no conflicts (2 of 4 stars). 8 submissions from 8 submitters: Benign (6); Likely benign (2). Last evaluated 2026-02-03.

Conditions:
Myopathy, centronuclear, 2 (CNM2). Also called: MYOTUBULAR MYOPATHY, AUTOSOMAL RECESSIVE. Identifiers: Orphanet 169186, MedGen CN031787, MONDO:0009709, OMIM 255200.

Allele frequency attached by ClinVar (database versions not stated): 1000 Genomes Project 0.01458; ESP Exome Variant Server 0.01272; TOPMed 0.01468; 1000 Genomes Project 30x 0.01437; gnomAD 0.01414.
gnomAD v4.1: 34,993 of 1,572,668 alleles (2.2%); highest among the groups gnomAD compares: South Asian, 5.2%; 494 homozygotes.

Submissions (8):

Labcorp Genetics (formerly Invitae), Labcorp
Classification: Benign for Myopathy, centronuclear, 2. Last evaluated: 2026-02-03. Review status: criteria provided, single submitter. Criteria: Invitae Variant Classification Sherloc (09022015). Collection method: clinical testing. Allele origin: germline.

Mayo Clinic Laboratories, Mayo Clinic
Classification: Benign. Last evaluated: 2023-06-07. Review status: criteria provided, single submitter. Criteria: ACMG Guidelines, 2015. Collection method: clinical testing. Allele origin: germline. Observed: 23 variant alleles.
Comment: BA1, BP4, BP7

Illumina Laboratory Services, Illumina
Classification: Likely benign for Myopathy, centronuclear, 2. Last evaluated: 2018-01-13. Review status: criteria provided, single submitter. Criteria: ICSL Variant Classification Criteria 13 December 2019. Collection method: clinical testing. Allele origin: germline.
Comment: This variant was observed in the ICSL laboratory as part of a predisposition screen in an ostensibly healthy population. It had not been previously curated by ICSL or reported in the Human Gene Mutation Database (HGMD: prior to June 1st, 2018), and was therefore a candidate for classification through an automated scoring system. Utilizing variant allele frequency, disease prevalence and penetrance estimates, and inheritance mode, an automated score was calculated to assess if this variant is too frequent to cause the disease. Based on the score and internal cut-off values, a variant classified as likely benign is not then subjected to further curation. The score for this variant resulted in a classification of likely benign for this disease.

GeneDx
Classification: Benign. Last evaluated: 2016-02-26. Review status: criteria provided, single submitter. Criteria: GeneDx Variant Classification (06012015). Collection method: clinical testing. Allele origin: germline. Affected: yes.
Comment: This variant is considered likely benign or benign based on one or more of the following criteria: it is a conservative change, it occurs at a poorly conserved position in the protein, it is predicted to be benign by multiple in silico algorithms, and/or has population frequency not consistent with disease.

Eurofins Ntd Llc (ga)
Classification: Benign. Last evaluated: 2014-12-10. Review status: criteria provided, single submitter. Criteria: EGL Classification Definitions 2015. Collection method: clinical testing. Allele origin: germline. Observed: 2 variant alleles, 2 heterozygotes.

Genetic Services Laboratory, University of Chicago
Classification: Benign. Last evaluated: 2013-02-08. Review status: criteria provided, single submitter. Criteria: ACMG Guidelines, 2007. Collection method: clinical testing. Allele origin: germline. Inheritance: Autosomal recessive inheritance.

Breakthrough Genomics
Classification: Likely benign. Review status: criteria provided, single submitter. Criteria: ACMG Guidelines, 2015. Collection method: not provided. Allele origin: germline. Inheritance: Autosomal recessive inheritance. Affected: yes.

PreventionGenetics, part of Exact Sciences
Classification: Benign. Review status: criteria provided, single submitter. Criteria: ACMG Guidelines, 2015. Collection method: clinical testing. Allele origin: germline.

NM_139343.3(BIN1):c.1362G>T (p.Gly454=)

Gene: BIN1 (bridging integrator 1; minus strand). Cytogenetic location: 2q14.3.
Variant type: single nucleotide variant.
Coding change: c.1362G>T on transcript NM_139343.3 (MANE Select); coding-DNA position 1362, G replaced by T.
Protein change: p.Gly454=; no amino-acid change (glycine 454 retained).
Molecular consequence: synonymous variant. On other transcripts: intron variant (9).
Genome position (GRCh38, 1-based): chr2:127,052,264, C>A on the plus strand (G>T on the coding strand, the complement: BIN1 is on the minus strand). VCF-style: chr2-127052264-C-A. GRCh37 (hg19) VCF-style: chr2-127809840-C-A.
Other names: p.Gly454=; c.1269G>T, p.Gly423= (NM_001320641.2); c.1281G>T, p.Gly427= (NM_001320642.1); c.1233G>T, p.Gly411= (NM_139344.3); c.1101G>T, p.Gly367= (NM_139345.3); c.1137G>T, p.Gly379= (NM_139347.3); c.1008G>T, p.Gly336= (NM_139349.3); c.838-1352G>T (NM_001320634.1); and 8 more.
Identifiers: ClinVar variation 158008 (VCV000158008.24), dbSNP rs61748155, ClinGen allele CA171387.